The following is an entry in ClinVar:

NM_000833.5(GRIN2A):c.-215G>T

Gene: GRIN2A (glutamate ionotropic receptor NMDA type subunit 2A; minus strand). Cytogenetic location: 16p13.2.
Variant type: single nucleotide variant.
Coding change: c.-215G>T on transcript NM_000833.5; 215 bases upstream of the start codon, G replaced by T.
Molecular consequence: 5 prime UTR variant.
Genome position (GRCh38, 1-based): chr16:10,182,659, C>A on the plus strand (G>T on the coding strand, the complement: GRIN2A is on the minus strand). VCF-style: chr16-10182659-C-A. GRCh37 (hg19) VCF-style: chr16-10276516-C-A.
Identifiers: ClinVar variation 385622 (VCV000385622.3), dbSNP rs1057518450, ClinGen allele CA16607973.

ClinVar aggregate classification (germline): Likely benign (1 of 4 stars; one submission).

Submission:

GeneDx
Classification: Likely benign. Last evaluated: 2016-04-29. Review status: criteria provided, single submitter. Criteria: GeneDx Variant Classification (06012015). Collection method: clinical testing. Allele origin: germline. Affected: yes.
Comment: This variant is considered likely benign or benign based on one or more of the following criteria: it is a conservative change, it occurs at a poorly conserved position in the protein, it is predicted to be benign by multiple in silico algorithms, and/or has population frequency not consistent with disease.